The following is an entry in ClinVar:

ClinVar aggregate classification (germline): Likely benign (1 of 4 stars; one submission).

Conditions:
PCSK1-related disorder. Also called: PCSK1-related condition.

gnomAD v4.1: 9 of 1,597,254 alleles (0.00056%); highest among the groups gnomAD compares: East Asian, 0.0022%; no homozygotes.

Submission:

PreventionGenetics, part of Exact Sciences
Classification: Likely benign for PCSK1-related condition. Last evaluated: 2026-08-17. Review status: criteria provided, single submitter. Criteria: ACMG Guidelines, 2015. Collection method: clinical testing. Allele origin: germline.
Comment: This variant is classified as likely benign based on ACMG/AMP sequence variant interpretation guidelines (Richards et al. 2015 PMID: 25741868, with internal and published modifications).

NM_000439.5(PCSK1):c.216T>C (p.His72=)

Genes: CAST (calpastatin; plus strand), PCSK1 (proprotein convertase subtilisin/kexin type 1; minus strand), LOC101929710 (uncharacterized LOC101929710; plus strand). Cytogenetic location: 5q15.
Variant type: single nucleotide variant.
Coding change: c.216T>C on transcript NM_000439.5 (MANE Select); coding-DNA position 216, T replaced by C.
Protein change: p.His72=; no amino-acid change (histidine 72 retained).
Molecular consequence: synonymous variant. On other transcripts: intron variant (11).
Genome position (GRCh38, 1-based): chr5:96,429,282, A>G on the plus strand (T>C on the coding strand, the complement: PCSK1 is on the minus strand). VCF-style: chr5-96429282-A-G. GRCh37 (hg19) VCF-style: chr5-95764986-A-G.
Other names: c.75T>C, p.His25= (NM_001177875.2); c.-175+49630A>G (NM_001423254.1, NM_001423259.1, NM_001423255.1 and 6 more transcripts); c.-103+49630A>G (NM_001423253.1); c.-40+49630A>G (NM_001423258.1).
Identifiers: ClinVar variation 4987522 (VCV004987522.1).